The following is an entry in ClinVar:

ClinVar aggregate classification (germline): Uncertain significance (1 of 4 stars; one submission).

Conditions:
Autoimmune lymphoproliferative syndrome type 2B. Also called: AUTOIMMUNE LYMPHOPROLIFERATIVE SYNDROME, TYPE IIB. Identifiers: Orphanet 275517, MedGen C1846545, MONDO:0011804, OMIM 607271.

Submission:

Labcorp Genetics (formerly Invitae), Labcorp
Classification: Uncertain significance for Autoimmune lymphoproliferative syndrome type 2B. Last evaluated: 2024-10-21. Review status: criteria provided, single submitter. Criteria: Invitae Variant Classification Sherloc (09022015). Collection method: clinical testing. Allele origin: germline.
Comment: This sequence change replaces threonine, which is neutral and polar, with isoleucine, which is neutral and non-polar, at codon 458 of the CASP8 protein (p.Thr458Ile). This variant is not present in population databases (gnomAD no frequency). This variant has not been reported in the literature in individuals affected with CASP8-related conditions. This variant is also known as T441I. ClinVar contains an entry for this variant (Variation ID: 2134179). Invitae Evidence Modeling of protein sequence and biophysical properties (such as structural, functional, and spatial information, amino acid conservation, physicochemical variation, residue mobility, and thermodynamic stability) indicates that this missense variant is expected to disrupt CASP8 protein function with a positive predictive value of 80%. Experimental studies have shown that this missense change affects CASP8 function (PMID: 34362880). In summary, the available evidence is currently insufficient to determine the role of this variant in disease. Therefore, it has been classified as a Variant of Uncertain Significance.

Literature cited by the submitters: PubMed 34362880.

NM_001372051.1(CASP8):c.1322C>T (p.Thr441Ile)

Gene: CASP8 (caspase 8; plus strand). Cytogenetic location: 2q33.1.
Variant type: single nucleotide variant.
Coding change: c.1322C>T on transcript NM_001372051.1 (MANE Select); coding-DNA position 1322, C replaced by T.
Protein change: p.Thr441Ile; replaces threonine 441 with isoleucine.
Molecular consequence: missense variant. On other transcripts: non-coding transcript variant (22).
Genome position (GRCh38, 1-based): chr2:201,286,476, C>T. VCF-style: chr2-201286476-C-T. GRCh37 (hg19) VCF-style: chr2-202151199-C-T.
Other names: c.1277C>T, p.Thr426Ile (NM_001080124.2, NM_001400658.1, NM_001400659.1 and 5 more transcripts); c.1499C>T, p.Thr500Ile (NM_001080125.2); c.1373C>T, p.Thr458Ile (NM_001228.5); c.1454C>T, p.Thr485Ile (NM_001400642.1); c.1355C>T, p.Thr452Ile (NM_001400645.1); c.1322C>T, p.Thr441Ile (NM_001400648.1, NM_001400651.1, NM_001400653.1 and 5 more transcripts); c.1253C>T, p.Thr418Ile (NM_001400664.1); c.1247C>T, p.Thr416Ile (NM_001400665.1); and 7 more; short protein forms T441I, T458I, T227I, T236I, T292I, T357I, T338I, T418I.
Identifiers: ClinVar variation 2134179 (VCV002134179.4), dbSNP rs2125509915, ClinGen allele CA350303489.
Genomic context (GRCh38, chr2:201,286,476, plus strand): 5'-CTTTCCCCCACAGACAGTCACAATATTATGTGATGTATTTCAGAGGCGATGATATTCTCA[C>T]CATCCTGACTGAAGTGAACTATGAAGTAAGCAACAAGGATGACAAGAAAAACATGGGGAA-3'
Protein context (NP_001358980.1, residues 431-451): ERCPRGDDIL[Thr441Ile]ILTEVNYEVS